The following is an entry in ClinVar:

ClinVar aggregate classification (germline): Uncertain significance. Review status: criteria provided, multiple submitters, no conflicts (2 of 4 stars). 2 submissions from 2 submitters: Uncertain significance (2). Last evaluated 2023-11-19.

Conditions:
Genitopatellar syndrome (GTPTS). Also called: Genitopatellar syndrome (GPS); ABSENT PATELLAE, SCROTAL HYPOPLASIA, RENAL ANOMALIES, FACIAL DYSMORPHISM, AND MENTAL RETARDATION. Identifiers: Orphanet 85201, MedGen C1853566, MONDO:0011640, OMIM 606170.

Allele frequency attached by ClinVar (database versions not stated): ExAC 0.00001; gnomAD exomes 0.00001 and 0.00002; gnomAD 0.00002 and 0.00003; TOPMed 0.00003.
gnomAD v4.1: 16 of 1,614,000 alleles (0.00099%); highest among the groups gnomAD compares: Non-Finnish European, 0.0014%; no homozygotes.

Submissions (2):

Labcorp Genetics (formerly Invitae), Labcorp
Classification: Uncertain significance for Genitopatellar syndrome. Last evaluated: 2023-11-19. Review status: criteria provided, single submitter. Criteria: Invitae Variant Classification Sherloc (09022015). Collection method: clinical testing. Allele origin: germline.
Comment: This sequence change replaces proline, which is neutral and non-polar, with serine, which is neutral and polar, at codon 1418 of the KAT6B protein (p.Pro1418Ser). This variant is present in population databases (rs780199206, gnomAD 0.002%). This variant has not been reported in the literature in individuals affected with KAT6B-related conditions. ClinVar contains an entry for this variant (Variation ID: 1309452). Advanced modeling of protein sequence and biophysical properties (such as structural, functional, and spatial information, amino acid conservation, physicochemical variation, residue mobility, and thermodynamic stability) performed at Invitae indicates that this missense variant is not expected to disrupt KAT6B protein function with a negative predictive value of 80%. In summary, the available evidence is currently insufficient to determine the role of this variant in disease. Therefore, it has been classified as a Variant of Uncertain Significance.

GeneDx
Classification: Uncertain significance. Last evaluated: 2019-10-14. Review status: criteria provided, single submitter. Criteria: GeneDx Variant Classification Process June 2021. Collection method: clinical testing. Allele origin: germline. Affected: yes.
Comment: In silico analysis, which includes protein predictors and evolutionary conservation, supports that this variant does not alter protein structure/function; Has not been previously published as pathogenic or benign to our knowledge

NM_012330.4(KAT6B):c.4252C>T (p.Pro1418Ser)

Gene: KAT6B (lysine acetyltransferase 6B; plus strand). Cytogenetic location: 10q22.2.
Variant type: single nucleotide variant.
Coding change: c.4252C>T on transcript NM_012330.4 (MANE Select); coding-DNA position 4252, C replaced by T.
Protein change: p.Pro1418Ser; replaces proline 1418 with serine.
Molecular consequence: missense variant.
Genome position (GRCh38, 1-based): chr10:75,029,076, C>T. VCF-style: chr10-75029076-C-T. GRCh37 (hg19) VCF-style: chr10-76788834-C-T.
Other names: c.1909C>T, p.Pro637Ser (NM_001370135.1); c.4252C>T, p.Pro1418Ser (NM_001370136.1, NM_001370137.1); c.3703C>T, p.Pro1235Ser (NM_001370138.1, NM_001256468.2); c.3376C>T, p.Pro1126Ser (NM_001370139.1, NM_001370140.1, NM_001370141.1 and 2 more transcripts); c.3187C>T, p.Pro1063Ser (NM_001370143.1, NM_001370144.1); c.3214C>T, p.Pro1072Ser (NM_001370132.1); c.2563C>T, p.Pro855Ser (NM_001370133.1); c.2167C>T, p.Pro723Ser (NM_001370134.1); short protein forms P1063S, P1072S, P1126S, P1235S, P1418S, P637S, P723S, P855S.
Identifiers: ClinVar variation 1309452 (VCV001309452.4), dbSNP rs780199206, ClinGen allele CA5565004.